The following is an entry in ClinVar:

ClinVar aggregate classification (germline): Conflicting classifications of pathogenicity. Review status: criteria provided, conflicting classifications (1 of 4 stars). 2 submissions from 2 submitters: Uncertain significance (1); Likely benign (1). Last evaluated 2022-01-10.

Allele frequency attached by ClinVar (database versions not stated): ESP Exome Variant Server 0.00015.
gnomAD v4.1: 38 of 1,614,078 alleles (0.0024%); highest among the groups gnomAD compares: Admixed American, 0.018%; no homozygotes.

Submissions (2):

Blueprint Genetics
Classification: Likely benign. Last evaluated: 2022-01-10. Review status: criteria provided, single submitter. Criteria: ACMG Guidelines, 2015. Collection method: clinical testing. Allele origin: germline.

Labcorp Genetics (formerly Invitae), Labcorp
Classification: Uncertain significance. Last evaluated: 2021-08-27. Review status: criteria provided, single submitter. Criteria: Invitae Variant Classification Sherloc (09022015). Collection method: clinical testing. Allele origin: germline.
Comment: This sequence change replaces valine with methionine at codon 846 of the COL27A1 protein (p.Val846Met). The valine residue is highly conserved and there is a small physicochemical difference between valine and methionine. This variant is present in population databases (rs200847358, ExAC 0.02%). This variant has not been reported in the literature in individuals affected with COL27A1-related conditions. Algorithms developed to predict the effect of missense changes on protein structure and function output the following: SIFT: "Tolerated"; PolyPhen-2: "Not Available"; Align-GVGD: "Class C0". The methionine amino acid residue is found in multiple mammalian species, which suggests that this missense change does not adversely affect protein function. In summary, the available evidence is currently insufficient to determine the role of this variant in disease. Therefore, it has been classified as a Variant of Uncertain Significance.

NM_032888.4(COL27A1):c.2536G>A (p.Val846Met)

Gene: COL27A1 (collagen type XXVII alpha 1 chain; plus strand). Cytogenetic location: 9q32.
Variant type: single nucleotide variant.
Coding change: c.2536G>A on transcript NM_032888.4 (MANE Select); coding-DNA position 2536, G replaced by A.
Protein change: p.Val846Met; replaces valine 846 with methionine.
Molecular consequence: missense variant.
Genome position (GRCh38, 1-based): chr9:114,231,837, G>A. VCF-style: chr9-114231837-G-A. GRCh37 (hg19) VCF-style: chr9-116994117-G-A.
Other names: short protein forms V846M.
Identifiers: ClinVar variation 2158000 (VCV002158000.2), dbSNP rs200847358, ClinGen allele CA5201931.